The following is an entry in ClinVar:

NM_153766.3(KCNJ1):c.361G>A (p.Val121Met)

Gene: KCNJ1 (potassium inwardly rectifying channel subfamily J member 1; minus strand). Cytogenetic location: 11q24.3.
Variant type: single nucleotide variant.
Coding change: c.361G>A on transcript NM_153766.3 (MANE Select); coding-DNA position 361, G replaced by A.
Protein change: p.Val121Met; replaces valine 121 with methionine.
Molecular consequence: missense variant.
Genome position (GRCh38, 1-based): chr11:128,839,883, C>T on the plus strand (G>A on the coding strand, the complement: KCNJ1 is on the minus strand). VCF-style: chr11-128839883-C-T. GRCh37 (hg19) VCF-style: chr11-128709778-C-T.
Other names: c.418G>A, p.Val140Met (NM_000220.6); c.361G>A, p.Val121Met (NM_153764.3, NM_153767.4); c.412G>A, p.Val138Met (NM_153765.3); short protein forms V121M, V138M, V140M.
Identifiers: ClinVar variation 2572581 (VCV002572581.1), dbSNP rs1206946425, ClinGen allele CA383245675.

ClinVar aggregate classification (germline): Uncertain significance (1 of 4 stars; one submission).

Conditions:
Bartter disease type 2. Also called: HYPERPROSTAGLANDIN E SYNDROME 2; Bartter syndrome, type 2, antenatal; HYPOKALEMIC ALKALOSIS WITH HYPERCALCIURIA 2, ANTENATAL. Identifiers: Orphanet 112, Orphanet 620220, MedGen C1855849, MONDO:0009424, OMIM 241200.

Allele frequency attached by ClinVar (database versions not stated): TOPMed below 0.00001; gnomAD 0.00001.
gnomAD v4.1: 1 of 1,614,084 alleles (0.000062%); highest among the groups gnomAD compares: Non-Finnish European, 0.000085%; no homozygotes.

Submission:

3billion
Classification: Uncertain significance for Bartter disease type 2. Review status: criteria provided, single submitter. Criteria: ACMG Guidelines, 2015. Collection method: clinical testing. Allele origin: unknown. Affected: yes. Observed: 1 homozygote.
Comment: The variant is not observed in the gnomAD v2.1.1 dataset. Missense changes are a common disease-causing mechanism. In silico tool predictions suggest damaging effect of the variant on gene or gene product (REVEL: 0.62; 3Cnet: 0.43). Therefore, this variant is classified as Uncertain significance according to the recommendation of ACMG/AMP guideline.